The following is an entry in ClinVar:

ClinVar aggregate classification (germline): Likely benign (1 of 4 stars; one submission).

Conditions:
Thrombomodulin-related bleeding disorder (THPH12). Also called: Thrombophilia due to thrombomodulin defect. Identifiers: Orphanet 436169, MedGen C3280976, MONDO:0013775, OMIM 614486.

Submission:

Genomenon, Inc
Classification: Likely benign for Thrombomodulin-related bleeding disorder. Last evaluated: 2025-09-22. Review status: criteria provided, single submitter. Criteria: Genomenon Sequence Variant Interpretation Standards - Updated. Collection method: curation. Allele origin: germline. Affected: no.
Comment: THBD c.*23_*40del is a variant located in the 3′ untranslated region (3′ UTR). This variant has been reported in the published literature (PMID:28339660;36699080;23332921). This variant’s allele frequency in gnomAD is greater than expected for this disorder. In conclusion, we classify THBD c.*23_*40del as a likely benign variant.

Literature cited by the submitters: PubMed 28339660; PubMed 36699080; PubMed 23332921.

NM_000361.3(THBD):c.*23_*40del

Gene: THBD (thrombomodulin; minus strand). Cytogenetic location: 20p11.21.
Variant type: Deletion.
Coding change: c.*23_*40del on transcript NM_000361.3 (MANE Select); 23 bases downstream of the stop codon through 40 bases downstream of the stop codon, 18 bases deleted (GCTCCGTCCAGGAGCCTG).
Molecular consequence: 3 prime UTR variant.
Genome position (GRCh38, 1-based): chr20:23,047,737-23,047,754, CAGGCTCCTGGACGGAGC deleted on the plus strand (GCTCCGTCCAGGAGCCTG on the coding strand, the reverse complement: THBD is on the minus strand); deleting any 18 consecutive bases within chr20:23,047,737-23,047,771 gives the same sequence; the c. name uses the placement nearest the transcript's 3' end. VCF-style (leftmost placement, unchanged base first): chr20-23047736-ACAGGCTCCTGGACGGAGC-A. GRCh37 (hg19) VCF-style: chr20-23028373-ACAGGCTCCTGGACGGAGC-A.
Identifiers: ClinVar variation 4280390 (VCV004280390.1).
Genomic context (GRCh38, chr20:23,047,736, plus strand): 5'-TCTTCTCCAGCTGTAATGCCAGCTAAGGTGCTTTGGTAGCAAAGCTGGGGGTGAGGAGGC[ACAGGCTCCTGGACGGAGC>A]CAGGCTCCTGGACGGAGGCCGCTCAGAGTCTCTGCGGCGTCCGCTCGGTCCGCACGTGCT-3'